The following is an entry in ClinVar:

ClinVar aggregate classification (germline): Conflicting classifications of pathogenicity. Review status: criteria provided, conflicting classifications (1 of 4 stars). 2 submissions from 2 submitters: Likely pathogenic (1); Uncertain significance (1). Last evaluated 2026-07-20.

Conditions:
Very long chain acyl-CoA dehydrogenase deficiency (ACADVLD). Also called: Very Long-Chain Acyl-Coenzyme A Dehydrogenase Deficiency; VLCAD Deficiency. Identifiers: Orphanet 26793, MedGen C3887523, MONDO:0008723, OMIM 201475.

gnomAD v4.1: 14 of 1,614,062 alleles (0.00087%); highest among the groups gnomAD compares: East Asian, 0.031%; no homozygotes.

Submissions (2):

Myriad Genetics, Inc.
Classification: Uncertain significance for Very long chain acyl-CoA dehydrogenase deficiency. Last evaluated: 2026-07-20. Review status: criteria provided, single submitter. Criteria: Myriad Autosomal Dominant, Autosomal Recessive and X-Linked Classification Criteria (2023). Collection method: clinical testing. Allele origin: unknown.
Comment: NM_000018.3(ACADVL):c.334T>C(F112L) is a missense variant classified as a variant of uncertain significance in the context of very-long-chain acyl-CoA dehydrogenase deficiency. F112L has been observed in cases with relevant disease (PMID: 38390979, 35400565, 35136200). Relevant functional assessments of this variant are not available in the literature. F112L has been observed in referenced population frequency databases. In summary, there is insufficient evidence to classify NM_000018.3(ACADVL):c.334T>C(F112L) as pathogenic or benign. Please note: this variant was assessed in the context of healthy population screening.

Natera, Inc.
Classification: Likely pathogenic for Very long chain acyl-CoA dehydrogenase deficiency. Last evaluated: 2026-01-17. Review status: criteria provided, single submitter. Criteria: Natera Variant Classification Schema (03/2026). Collection method: clinical testing. Allele origin: germline.
Comment: The c.334T>C variant in ACADVL is a missense variant predicted to cause substitution of phenylalanine to leucine at amino acid 112. This variant is rare in the general population with a frequency below the threshold expected for the associated phenotype(s). This variant has been observed in one or more individuals affected with the associated recessive disease, as either homozygous or compound heterozygous with a second variant (PMID: 35400565, 38390979). Computational prediction algorithms indicate this variant is likely to affect gene or protein function. Given the available evidence, this variant is classified as Likely Pathogenic.

Literature cited by the submitters: PubMed 35136200 (cited by Myriad Genetics, Inc.); PubMed 35400565 (cited by Myriad Genetics, Inc. and Natera, Inc.); PubMed 38390979 (cited by Myriad Genetics, Inc. and Natera, Inc.).

NM_000018.4(ACADVL):c.334T>C (p.Phe112Leu)

Gene: ACADVL (acyl-CoA dehydrogenase very long chain; plus strand). Cytogenetic location: 17p13.1.
Variant type: single nucleotide variant.
Coding change: c.334T>C on transcript NM_000018.4 (MANE Select); coding-DNA position 334, T replaced by C.
Protein change: p.Phe112Leu; replaces phenylalanine 112 with leucine.
Molecular consequence: missense variant.
Genome position (GRCh38, 1-based): chr17:7,220,822, T>C. VCF-style: chr17-7220822-T-C. GRCh37 (hg19) VCF-style: chr17-7124141-T-C.
Other names: c.268T>C, p.Phe90Leu (NM_001033859.3); c.403T>C, p.Phe135Leu (NM_001270447.2); c.106T>C, p.Phe36Leu (NM_001270448.2); short protein forms F112L, F135L, F36L, F90L.
Identifiers: ClinVar variation 4817408 (VCV004817408.2).
Genomic context (GRCh38, chr17:7,220,822, plus strand): 5'-GCAGTGCTCAACGAAGAGCAGACACAGTTTCTTAAAGAGCTGGTGGAGCCTGTGTCCCGT[T>C]TCTTCGAGGTAAGGAATGACTCGGGGCTTGGTCCCTGGTGAGGTGTTTGGAGATGTTAAG-3'
Protein context (NP_000009.1, residues 102-122): LKELVEPVSR[Phe112Leu]FEEVNDPAKN